The following is an entry in ClinVar:

NM_020822.3(KCNT1):c.3316C>T (p.Arg1106Trp)

Gene: KCNT1 (potassium sodium-activated channel subfamily T member 1; plus strand). Cytogenetic location: 9q34.3.
Variant type: single nucleotide variant.
Coding change: c.3316C>T on transcript NM_020822.3 (MANE Select); coding-DNA position 3316, C replaced by T.
Protein change: p.Arg1106Trp; replaces arginine 1106 with tryptophan.
Molecular consequence: missense variant.
Genome position (GRCh38, 1-based): chr9:135,786,335, C>T. VCF-style: chr9-135786335-C-T. GRCh37 (hg19) VCF-style: chr9-138678181-C-T.
Other names: c.3181C>T, p.Arg1061Trp (NM_001272003.2); short protein forms R1061W, R1106W.
Identifiers: ClinVar variation 946657 (VCV000946657.12), dbSNP rs542409033, ClinGen allele CA5327777.

ClinVar aggregate classification (germline): Uncertain significance. Review status: criteria provided, multiple submitters, no conflicts (2 of 4 stars). 2 submissions from 2 submitters: Uncertain significance (2). Last evaluated 2025-12-05.

Conditions:
Autosomal dominant nocturnal frontal lobe epilepsy 5. Also called: KCNT1-Related Epilepsy; CILIARY DYSKINESIA, PRIMARY, 28, WITHOUT SITUS INVERSUS; CILIARY DYSKINESIA, PRIMARY, 28, WITH SITUS INVERSUS; Epilepsy, nocturnal frontal lobe, 5. Identifiers: Orphanet 98784, MedGen C3554306, MONDO:0014002, OMIM 615005.
Developmental and epileptic encephalopathy, 14 (DEE14). Also called: Early infantile epileptic encephalopathy 14. Identifiers: Orphanet 293181, MedGen C3554195, MONDO:0013989, OMIM 614959.

Allele frequency attached by ClinVar (database versions not stated): TOPMed 0.00002; 1000 Genomes Project 30x 0.00016; 1000 Genomes Project 0.00020.
gnomAD v4.1: 39 of 1,594,680 alleles (0.0024%); highest among the groups gnomAD compares: Non-Finnish European, 0.003%; no homozygotes.

Submissions (2):

Labcorp Genetics (formerly Invitae), Labcorp
Classification: Uncertain significance for Autosomal dominant nocturnal frontal lobe epilepsy 5; Developmental and epileptic encephalopathy, 14. Last evaluated: 2025-12-05. Review status: criteria provided, single submitter. Criteria: Invitae Variant Classification Sherloc (09022015). Collection method: clinical testing. Allele origin: germline.
Comment: This sequence change replaces arginine, which is basic and polar, with tryptophan, which is neutral and slightly polar, at codon 1106 of the KCNT1 protein (p.Arg1106Trp). The frequency data for this variant in the population databases is considered unreliable, as metrics indicate poor data quality at this position in the gnomAD database. This variant has not been reported in the literature in individuals affected with KCNT1-related conditions. ClinVar contains an entry for this variant (Variation ID: 946657). Invitae Evidence Modeling of protein sequence and biophysical properties (such as structural, functional, and spatial information, amino acid conservation, physicochemical variation, residue mobility, and thermodynamic stability) has been performed for this missense variant. However, the output from this modeling did not meet the statistical confidence thresholds required to predict the impact of this variant on KCNT1 protein function. In summary, the available evidence is currently insufficient to determine the role of this variant in disease. Therefore, it has been classified as a Variant of Uncertain Significance.

Revvity Omics, Revvity
Classification: Uncertain significance. Last evaluated: 2021-12-27. Review status: criteria provided, single submitter. Criteria: ACMG Guidelines, 2015. Collection method: clinical testing. Allele origin: germline.